The following is an entry in ClinVar:

NC_000023.10:g.(?_77227139)_(77271398_?)del

Gene: ATP7A (ATPase copper transporting alpha; plus strand). Cytogenetic location: Xq21.1.
Variant type: Deletion.
Identifiers: ClinVar variation 3244728 (VCV003244728.1).

ClinVar aggregate classification (germline): Pathogenic (1 of 4 stars; one submission).

Conditions:
Menkes kinky-hair syndrome (MNK). Also called: Classic Menkes Disease; Copper transport disease; Menkes Disease. Identifiers: Orphanet 565, MedGen C0022716, MONDO:0010651, OMIM 309400.
X-linked distal spinal muscular atrophy type 3. Also called: ATP7A-Related Distal Motor Neuropathy; SPINAL MUSCULAR ATROPHY, DISTAL, X-LINKED RECESSIVE; NEURONOPATHY, DISTAL HEREDITARY MOTOR, X-LINKED; NEUROPATHY, DISTAL HEREDITARY MOTOR, X-LINKED. Identifiers: Orphanet 139557, MedGen C1845359, MONDO:0010338, OMIM 300489.
Cutis laxa, X-linked (OHS). Also called: EDS IX; Occipital horn syndrome. Identifiers: Orphanet 198, MedGen C0268353, MONDO:0010572, OMIM 304150.

Submission:

Labcorp Genetics (formerly Invitae), Labcorp
Classification: Pathogenic for X-linked distal spinal muscular atrophy type 3; Cutis laxa, X-linked; Menkes kinky-hair syndrome. Last evaluated: 2023-01-27. Review status: criteria provided, single submitter. Criteria: Invitae Variant Classification Sherloc (09022015). Collection method: clinical testing. Allele origin: unknown.
Comment: For these reasons, this variant has been classified as Pathogenic. This variant has not been reported in the literature in individuals affected with ATP7A-related conditions. This variant is a gross deletion of the genomic region encompassing exon(s) 2-12 of the ATP7A gene, which includes the initiator codon. This deletion extends beyond the assayed region for this gene and therefore may encompass additional genes. It is expected to result in an absent or disrupted protein product. Loss-of-function variants in ATP7A are known to be pathogenic (PMID: 11241493, 20652413).

Literature cited by the submitters: PubMed 11241493; PubMed 20652413.